The following is an entry in ClinVar:

NM_006506.5(RASA2):c.140C>A (p.Ala47Glu)

Gene: RASA2 (RAS p21 protein activator 2; plus strand). Cytogenetic location: 3q23.
Variant type: single nucleotide variant.
Coding change: c.140C>A on transcript NM_006506.5 (MANE Select); coding-DNA position 140, C replaced by A.
Protein change: p.Ala47Glu; replaces alanine 47 with glutamic acid.
Molecular consequence: missense variant.
Genome position (GRCh38, 1-based): chr3:141,512,169, C>A. VCF-style: chr3-141512169-C-A. GRCh37 (hg19) VCF-style: chr3-141231011-C-A.
Other names: c.140C>A, p.Ala47Glu (NM_001303245.3, NM_001303246.3); short protein forms A47E.
Identifiers: ClinVar variation 2706641 (VCV002706641.3), dbSNP rs2478436909, ClinGen allele CA354779154.

ClinVar aggregate classification (germline): Uncertain significance (1 of 4 stars; one submission).

Submission:

Labcorp Genetics (formerly Invitae), Labcorp
Classification: Uncertain significance. Last evaluated: 2023-12-30. Review status: criteria provided, single submitter. Criteria: Invitae Variant Classification Sherloc (09022015). Collection method: clinical testing. Allele origin: germline.
Comment: This sequence change replaces alanine, which is neutral and non-polar, with glutamic acid, which is acidic and polar, at codon 47 of the RASA2 protein (p.Ala47Glu). This variant is not present in population databases (gnomAD no frequency). This variant has not been reported in the literature in individuals affected with RASA2-related conditions. Advanced modeling of protein sequence and biophysical properties (such as structural, functional, and spatial information, amino acid conservation, physicochemical variation, residue mobility, and thermodynamic stability) performed at Invitae indicates that this missense variant is expected to disrupt RASA2 protein function with a positive predictive value of 80%. In summary, the available evidence is currently insufficient to determine the role of this variant in disease. Therefore, it has been classified as a Variant of Uncertain Significance.